The following is an entry in ClinVar:

ClinVar aggregate classification (germline): Uncertain significance (1 of 4 stars; one submission).

Conditions:
TH-deficient dopa-responsive dystonia. Also called: Tyrosine Hydroxylase-Deficient Dopa-Responsive Dystonia; Segawa syndrome, autosomal recessive; DYT-TH. Identifiers: Orphanet 101150, MedGen C2673535, MONDO:0011551, OMIM 605407.

Allele frequency attached by ClinVar (database versions not stated): gnomAD 0.00001 and 0.00003; TOPMed 0.00001; gnomAD exomes 0.00003; ExAC 0.00004; 1000 Genomes Project 30x 0.00016; 1000 Genomes Project 0.00020.

Submission:

Labcorp Genetics (formerly Invitae), Labcorp
Classification: Uncertain significance for TH-deficient dopa-responsive dystonia. Last evaluated: 2022-04-04. Review status: criteria provided, single submitter. Criteria: Invitae Variant Classification Sherloc (09022015). Collection method: clinical testing. Allele origin: germline.
Comment: This sequence change replaces alanine, which is neutral and non-polar, with threonine, which is neutral and polar, at codon 174 of the TH protein (p.Ala174Thr). This variant is present in population databases (rs201911992, gnomAD 0.006%). This variant has not been reported in the literature in individuals affected with TH-related conditions. Advanced modeling of protein sequence and biophysical properties (such as structural, functional, and spatial information, amino acid conservation, physicochemical variation, residue mobility, and thermodynamic stability) performed at Invitae indicates that this missense variant is not expected to disrupt TH protein function. In summary, the available evidence is currently insufficient to determine the role of this variant in disease. Therefore, it has been classified as a Variant of Uncertain Significance.

NM_000360.4(TH):c.427G>A (p.Ala143Thr)

Gene: TH (tyrosine hydroxylase; minus strand). Cytogenetic location: 11p15.5.
Variant type: single nucleotide variant.
Coding change: c.427G>A on transcript NM_000360.4 (MANE Select); coding-DNA position 427, G replaced by A.
Protein change: p.Ala143Thr; replaces alanine 143 with threonine.
Molecular consequence: missense variant.
Genome position (GRCh38, 1-based): chr11:2,168,551, C>T on the plus strand (G>A on the coding strand, the complement: TH is on the minus strand). VCF-style: chr11-2168551-C-T. GRCh37 (hg19) VCF-style: chr11-2189781-C-T.
Other names: c.520G>A, p.Ala174Thr (NM_199292.3); c.508G>A, p.Ala170Thr (NM_199293.3); short protein forms A143T, A170T, A174T.
Identifiers: ClinVar variation 1432357 (VCV001432357.5), dbSNP rs201911992, ClinGen allele CA5818665.